The following is an entry in ClinVar:

NM_001754.5(RUNX1):c.1024A>G (p.Ile342Val)

Gene: RUNX1 (RUNX family transcription factor 1; minus strand). Cytogenetic location: 21q22.12.
Variant type: single nucleotide variant.
Coding change: c.1024A>G on transcript NM_001754.5 (MANE Select); coding-DNA position 1024, A replaced by G.
Protein change: p.Ile342Val; replaces isoleucine 342 with valine.
Molecular consequence: missense variant.
Genome position (GRCh38, 1-based): chr21:34,792,554, T>C on the plus strand (A>G on the coding strand, the complement: RUNX1 is on the minus strand). VCF-style: chr21-34792554-T-C. GRCh37 (hg19) VCF-style: chr21-36164851-T-C.
Other names: NM_001754.5(RUNX1):c.1024A>G; p.Ile342Val; c.943A>G, p.Ile315Val (NM_001001890.3); c.1024A>G (NM_001754.4); short protein forms I315V, I342V.
Identifiers: ClinVar variation 1009786 (VCV001009786.11), dbSNP rs2056460109, ClinGen allele CA410148531.

ClinVar aggregate classification (germline): Uncertain significance. Review status: reviewed by expert panel (3 of 4 stars). 3 submissions from 3 submitters: Uncertain significance (1). 2 of the submissions do not count toward it. Last evaluated 2024-07-17.

Conditions:
Inborn genetic diseases. Identifiers: MedGen C0950123, MeSH D030342.
Hereditary thrombocytopenia and hematological cancer predisposition syndrome associated with RUNX1. Also called: Familial Platelet Disorder with Propensity to Acute Myelogenous Leukemia; PLATELET DISORDER, ASPIRIN-LIKE; RUNX1 Familial Platelet Disorder with Associated Myeloid Malignancies; Familial thrombocytopenia with propensity to acute myelogenous leukemia. Identifiers: Orphanet 71290, MedGen C1832388, MeSH C563324, MONDO:0100083, OMIM 601399.

Submissions (3):

ClinGen Myeloid Malignancy Variant Curation Expert Panel
Classification: Uncertain significance for Hereditary thrombocytopenia and hematological cancer predisposition syndrome associated with RUNX1. Last evaluated: 2024-07-17. Review status: reviewed by expert panel. Criteria: ClinGen MyeloMalig ACMG Specifications v2. Collection method: curation. Allele origin: germline. Inheritance: Autosomal dominant inheritance.
Comment: NM_001754.5(RUNX1):c.1024A>G (p.Ile342Val) is a missense variant which has a REVEL score < 0.50 (0.065) and a SpliceAI score ≤ 0.20 (0.0) (BP4). This variant is completely absent from all population databases with at least 20x coverage for RUNX1 (PM2_supporting). In summary, the clinical significance of this variant is uncertain. ACMG/AMP criteria applied, as specified by the Myeloid Malignancy Variant Curation Expert Panel for RUNX1: PM2_supporting, BP4.

Ambry Genetics
Classification: Likely benign for Inborn genetic diseases. Last evaluated: 2026-07-23. Review status: criteria provided, single submitter. Criteria: Ambry Variant Classification Scheme 2023. Collection method: clinical testing. Allele origin: germline. Not counted in ClinVar's aggregate classification.

Labcorp Genetics (formerly Invitae), Labcorp
Classification: Uncertain significance for Hereditary thrombocytopenia and hematological cancer predisposition syndrome associated with RUNX1. Last evaluated: 2023-10-04. Review status: criteria provided, single submitter. Criteria: Invitae Variant Classification Sherloc (09022015). Collection method: clinical testing. Allele origin: germline. Not counted in ClinVar's aggregate classification.
Comment: This sequence change replaces isoleucine, which is neutral and non-polar, with valine, which is neutral and non-polar, at codon 342 of the RUNX1 protein (p.Ile342Val). This variant is not present in population databases (gnomAD no frequency). This variant has not been reported in the literature in individuals affected with RUNX1-related conditions. ClinVar contains an entry for this variant (Variation ID: 1009786). Advanced modeling of protein sequence and biophysical properties (such as structural, functional, and spatial information, amino acid conservation, physicochemical variation, residue mobility, and thermodynamic stability) performed at Invitae indicates that this missense variant is not expected to disrupt RUNX1 protein function. In summary, the available evidence is currently insufficient to determine the role of this variant in disease. Therefore, it has been classified as a Variant of Uncertain Significance.